The following is an entry in ClinVar:

NM_004329.3(BMPR1A):c.1222A>C (p.Met408Leu)

Gene: BMPR1A (bone morphogenetic protein receptor type 1A; plus strand). Cytogenetic location: 10q23.2.
Variant type: single nucleotide variant.
Coding change: c.1222A>C on transcript NM_004329.3 (MANE Select); coding-DNA position 1222, A replaced by C.
Protein change: p.Met408Leu; replaces methionine 408 with leucine.
Molecular consequence: missense variant.
Genome position (GRCh38, 1-based): chr10:86,921,575, A>C. VCF-style: chr10-86921575-A-C. GRCh37 (hg19) VCF-style: chr10-88681332-A-C.
Other names: c.1297A>C, p.Met433Leu (NM_001406559.1); c.1270A>C, p.Met424Leu (NM_001406560.1); c.1222A>C, p.Met408Leu (NM_001406561.1, NM_001406562.1, NM_001406563.1 and 19 more transcripts); c.1216A>C, p.Met406Leu (NM_001406583.1); c.1138A>C, p.Met380Leu (NM_001406584.1, NM_001406585.1, NM_001406586.1 and 2 more transcripts); c.880A>C, p.Met294Leu (NM_001406589.1); short protein forms M408L, M424L, M294L, M380L, M406L, M433L.
Identifiers: ClinVar variation 1753356 (VCV001753356.5), dbSNP rs2133606641, ClinGen allele CA377462001.

ClinVar aggregate classification (germline): Uncertain significance. Review status: criteria provided, multiple submitters, no conflicts (2 of 4 stars). 2 submissions from 2 submitters: Uncertain significance (2). Last evaluated 2022-11-10.

Conditions:
Juvenile polyposis syndrome (JPS). Identifiers: Orphanet 2929, MedGen C0345893, MONDO:0017380, OMIM 174900.
Hereditary cancer-predisposing syndrome. Also called: Neoplastic Syndromes, Hereditary; Tumor predisposition; Hereditary neoplastic syndrome; Hereditary Cancer Syndrome. Identifiers: Orphanet 140162, MedGen C0027672, MeSH D009386, MONDO:0015356.

Submissions (2):

Labcorp Genetics (formerly Invitae), Labcorp
Classification: Uncertain significance for Juvenile polyposis syndrome. Last evaluated: 2022-11-10. Review status: criteria provided, single submitter. Criteria: Invitae Variant Classification Sherloc (09022015). Collection method: clinical testing. Allele origin: germline.
Comment: This sequence change replaces methionine, which is neutral and non-polar, with leucine, which is neutral and non-polar, at codon 408 of the BMPR1A protein (p.Met408Leu). This variant is not present in population databases (gnomAD no frequency). This variant has not been reported in the literature in individuals affected with BMPR1A-related conditions. Advanced modeling of protein sequence and biophysical properties (such as structural, functional, and spatial information, amino acid conservation, physicochemical variation, residue mobility, and thermodynamic stability) performed at Invitae indicates that this missense variant is not expected to disrupt BMPR1A protein function. In summary, the available evidence is currently insufficient to determine the role of this variant in disease. Therefore, it has been classified as a Variant of Uncertain Significance.

Ambry Genetics
Classification: Uncertain significance for Hereditary cancer-predisposing syndrome. Last evaluated: 2021-08-25. Review status: criteria provided, single submitter. Criteria: Ambry Variant Classification Scheme 2023. Collection method: clinical testing. Allele origin: germline.
Comment: The p.M408L variant (also known as c.1222A>C), located in coding exon 9 of the BMPR1A gene, results from an A to C substitution at nucleotide position 1222. The methionine at codon 408 is replaced by leucine, an amino acid with highly similar properties. This amino acid position is highly conserved in available vertebrate species. In addition, this alteration is predicted to be deleterious by in silico analysis. Since supporting evidence is limited at this time, the clinical significance of this alteration remains unclear.